The following is an entry in ClinVar:

NM_006231.4(POLE):c.5768G>A (p.Gly1923Asp)

Gene: POLE (DNA polymerase epsilon, catalytic subunit; minus strand). Cytogenetic location: 12q24.33.
Variant type: single nucleotide variant.
Coding change: c.5768G>A on transcript NM_006231.4 (MANE Select); coding-DNA position 5768, G replaced by A.
Protein change: p.Gly1923Asp; replaces glycine 1923 with aspartic acid.
Molecular consequence: missense variant.
Genome position (GRCh38, 1-based): chr12:132,635,935, C>T on the plus strand (G>A on the coding strand, the complement: POLE is on the minus strand). VCF-style: chr12-132635935-C-T. GRCh37 (hg19) VCF-style: chr12-133212521-C-T.
Other names: short protein forms G1923D.
Identifiers: ClinVar variation 3225490 (VCV003225490.1), dbSNP rs2138485492, ClinGen allele CA387372897.
Genomic context (GRCh38, chr12:132,635,935, plus strand): 5'-CACTGCAGCTCGCTTACCAGTCCACAGTGAATACGAGATGAAACTTTTCCTTTGATTCCG[C>T]CATAGTTAGATGGATCCATCCAGAGAAGAAATTCCCAGCATCGAGAGAAAGAAATTGTCA-3'
Protein context (NP_006222.2, residues 1913-1933): FLLWMDPSNY[Gly1923Asp]GIKGKVSSRI

ClinVar aggregate classification (germline): Uncertain significance (1 of 4 stars; one submission).

Conditions:
Hereditary cancer-predisposing syndrome. Also called: Neoplastic Syndromes, Hereditary; Tumor predisposition; Hereditary neoplastic syndrome; Hereditary Cancer Syndrome. Identifiers: Orphanet 140162, MedGen C0027672, MeSH D009386, MONDO:0015356.

Submission:

Ambry Genetics
Classification: Uncertain significance for Hereditary cancer-predisposing syndrome. Last evaluated: 2023-12-23. Review status: criteria provided, single submitter. Criteria: Ambry Variant Classification Scheme 2023. Collection method: clinical testing. Allele origin: germline.
Comment: The p.G1923D variant (also known as c.5768G>A), located in coding exon 42 of the POLE gene, results from a G to A substitution at nucleotide position 5768. The glycine at codon 1923 is replaced by aspartic acid, an amino acid with similar properties. This amino acid position is conserved. In addition, this alteration is predicted to be deleterious by in silico analysis. Since supporting evidence is limited at this time, the clinical significance of this alteration remains unclear.